The following is an entry in ClinVar:

ClinVar aggregate classification (germline): Likely benign (1 of 4 stars; one submission).

Submission:

CeGaT Center for Human Genetics Tuebingen
Classification: Likely benign. Last evaluated: 2026-05-01. Review status: criteria provided, single submitter. Criteria: CeGaT Center For Human Genetics Tuebingen Variant Classification Criteria Version 2. Collection method: clinical testing. Allele origin: germline. Affected: yes. Observed: 1 variant allele.
Comment: TCF15: PM2:Supporting, BP4, BP7

NM_004609.4(TCF15):c.102G>C (p.Ser34=)

Gene: TCF15 (transcription factor 15; minus strand). Cytogenetic location: 20p13.
Variant type: single nucleotide variant.
Coding change: c.102G>C on transcript NM_004609.4 (MANE Select); coding-DNA position 102, G replaced by C.
Protein change: p.Ser34=; no amino-acid change (serine 34 retained).
Molecular consequence: synonymous variant.
Genome position (GRCh38, 1-based): chr20:610,136, C>G on the plus strand (G>C on the coding strand, the complement: TCF15 is on the minus strand). VCF-style: chr20-610136-C-G. GRCh37 (hg19) VCF-style: chr20-590780-C-G.
Identifiers: ClinVar variation 4872824 (VCV004872824.2).
Genomic context (GRCh38, chr20:610,136, plus strand): 5'-CCCGGGGCCCGGGCCGCGCCGCGCCGCCTCCGGGCCCTCGCAGCAGCCGAACGACTGGTC[C>G]GACGCGTCGCTCTCGCTGCGGTTCTCCTCGTCCTCGCTCAGCAGCCGCACGTCCGGGTAC-3'
Protein context (NP_004600.3, residues 24-44): DEENRSESDA[Ser34=]DQSFGCCEGP